The following is an entry in ClinVar:

NM_000091.5(COL4A3):c.4115del (p.Gln1372fs)

Genes: COL4A3 (collagen type IV alpha 3 chain; plus strand), MFF-DT (MFF divergent transcript; minus strand). Cytogenetic location: 2q36.3.
Variant type: Deletion.
Coding change: c.4115del on transcript NM_000091.5 (MANE Select); coding-DNA position 4115, one base deleted (A; older notation c.4115delA).
Protein change: p.Gln1372fs; shifts the reading frame from glutamine 1372.
Molecular consequence: frameshift variant.
Genome position (GRCh38, 1-based): chr2:227,304,106, A deleted. VCF-style (leftmost placement, unchanged base first): chr2-227304105-CA-C. GRCh37 (hg19) VCF-style: chr2-228168821-CA-C.
Other names: short protein forms Q1372fs.
Identifiers: ClinVar variation 5006241 (VCV005006241.2).

ClinVar aggregate classification (germline): Likely pathogenic (1 of 4 stars; one submission).

Conditions:
Alport syndrome 3b, autosomal recessive. Identifiers: MedGen C5882699, MONDO:0957811, OMIM 620536.

Submission:

Juno Genomics, Hangzhou Juno Genomics, Inc
Classification: Likely pathogenic for Alport syndrome 3b, autosomal recessive. Review status: criteria provided, single submitter. Criteria: ACMG Guidelines, 2015. Collection method: clinical testing. Allele origin: germline.
Comment: Null variant in a gene where loss of function (LOF) is a known mechanism of disease.;Absent from controls (or at extremely low frequency if recessive) in Genome Aggregation Database.